The following is an entry in ClinVar:

NM_182961.4(SYNE1):c.15124G>C (p.Glu5042Gln)

Gene: SYNE1 (spectrin repeat containing nuclear envelope protein 1; minus strand). Cytogenetic location: 6q25.2.
Variant type: single nucleotide variant.
Coding change: c.15124G>C on transcript NM_182961.4 (MANE Select); coding-DNA position 15124, G replaced by C.
Protein change: p.Glu5042Gln; replaces glutamic acid 5042 with glutamine.
Molecular consequence: missense variant.
Genome position (GRCh38, 1-based): chr6:152,326,465, C>G on the plus strand (G>C on the coding strand, the complement: SYNE1 is on the minus strand). VCF-style: chr6-152326465-C-G. GRCh37 (hg19) VCF-style: chr6-152647600-C-G.
Other names: p.Glu4971Gln; c.14911G>C, p.Glu4971Gln (NM_033071.5); c.15124G>C (NM_182961.2); short protein forms E4971Q, E5042Q.
Identifiers: ClinVar variation 1058224 (VCV001058224.13), dbSNP rs533927341, ClinGen allele CA366093664.

ClinVar aggregate classification (germline): Uncertain significance. Review status: criteria provided, multiple submitters, no conflicts (2 of 4 stars). 3 submissions from 3 submitters: Uncertain significance (3). Last evaluated 2023-10-17.

Conditions:
Emery-Dreifuss muscular dystrophy 4, autosomal dominant (EDMD4). Also called: EMERY-DREIFUSS MUSCULAR DYSTROPHY 4 WITH VARIABLE FEATURES. Identifiers: Orphanet 261, MedGen C2751807, MONDO:0013071, OMIM 612998.
Autosomal recessive ataxia, Beauce type. Also called: Spinocerebellar ataxia, autosomal recessive 8; ATAXIA, RECESSIVE, OF BEAUCE; SYNE1 Deficiency; SYNE1-Related Autosomal Recessive Cerebellar Ataxia. Identifiers: Orphanet 88644, MedGen C1853116, MONDO:0012549, OMIM 610743.

Allele frequency attached by ClinVar (database versions not stated): TOPMed 0.00001; gnomAD 0.00001.
gnomAD v4.1: 2 of 1,614,058 alleles (0.00012%); highest among the groups gnomAD compares: African/African-American, 0.0027%; no homozygotes.

Submissions (3):

Athena Diagnostics
Classification: Uncertain significance. Last evaluated: 2023-10-17. Review status: criteria provided, single submitter. Criteria: Athena Diagnostics Criteria. Collection method: clinical testing. Allele origin: unknown.
Comment: Available data are insufficient to determine the clinical significance of the variant at this time. This variant has not been reported in large, multi-ethnic general populations. Computational tools disagree on the variant's effect on normal protein function.

Labcorp Genetics (formerly Invitae), Labcorp
Classification: Uncertain significance for Emery-Dreifuss muscular dystrophy 4, autosomal dominant; Autosomal recessive ataxia, Beauce type. Last evaluated: 2022-07-06. Review status: criteria provided, single submitter. Criteria: Invitae Variant Classification Sherloc (09022015). Collection method: clinical testing. Allele origin: germline.
Comment: This sequence change replaces glutamic acid, which is acidic and polar, with glutamine, which is neutral and polar, at codon 4971 of the SYNE1 protein (p.Glu4971Gln). In summary, the available evidence is currently insufficient to determine the role of this variant in disease. Therefore, it has been classified as a Variant of Uncertain Significance. Algorithms developed to predict the effect of sequence changes on RNA splicing suggest that this variant may create or strengthen a splice site. Algorithms developed to predict the effect of missense changes on protein structure and function are either unavailable or do not agree on the potential impact of this missense change (SIFT: "Deleterious"; PolyPhen-2: "Possibly Damaging"; Align-GVGD: "Class C0"). ClinVar contains an entry for this variant (Variation ID: 1058224). This variant has not been reported in the literature in individuals affected with SYNE1-related conditions. This variant is not present in population databases (gnomAD no frequency).

Mayo Clinic Laboratories, Mayo Clinic
Classification: Uncertain significance. Last evaluated: 2021-04-02. Review status: criteria provided, single submitter. Criteria: ACMG Guidelines, 2015. Collection method: clinical testing. Allele origin: germline.